The following is an entry in ClinVar:

ClinVar aggregate classification (germline): Conflicting classifications of pathogenicity. Review status: criteria provided, conflicting classifications (1 of 4 stars). 4 submissions from 4 submitters: Likely pathogenic (1); Uncertain significance (1); Likely benign (1). 1 of the submissions does not count toward it. Last evaluated 2026-01-28.

Conditions:
Epidermolysis bullosa dystrophica. Also called: Dystrophic epidermolysis bullosa, Hallopeau-Siemens type (formerly); Dystrophic epidermolysis bullosa. Identifiers: Orphanet 303, MedGen C0079294, MONDO:0006543.
Recessive dystrophic epidermolysis bullosa (RDEB). Also called: Hallopeau-Siemens Disease; epidermolysis bullosa dystrophica, autosomal recessive; Recessive DEB (RDEB); DYSTROPHIC EPIDERMOLYSIS BULLOSA, AUTOSOMAL RECESSIVE; EPIDERMOLYSIS BULLOSA DYSTROPHICA, HALLOPEAU-SIEMENS TYPE; EPIDERMOLYSIS BULLOSA DYSTROPHICA, GENERALIZED SEVERE, AUTOSOMAL RECESSIVE. Identifiers: Orphanet 79408, Orphanet 79409, MedGen C0079474, MONDO:0009179, OMIM 226600.

Allele frequency attached by ClinVar (database versions not stated): gnomAD exomes 0.00026 and 0.00054; 1000 Genomes Project 30x 0.00078; 1000 Genomes Project 0.00100; ExAC 0.00099; gnomAD below 0.00001 and 0.00015; TOPMed 0.00003.
gnomAD v4.1: 394 of 1,595,546 alleles (0.025%); highest among the groups gnomAD compares: South Asian, 0.43%; 4 homozygotes.

Submissions (4):

Labcorp Genetics (formerly Invitae), Labcorp
Classification: Likely benign. Last evaluated: 2026-01-28. Review status: criteria provided, single submitter. Criteria: Invitae Variant Classification Sherloc (09022015). Collection method: clinical testing. Allele origin: germline.

GeneDx
Classification: Uncertain significance. Last evaluated: 2025-01-29. Review status: criteria provided, single submitter. Criteria: GeneDx Variant Classification Process June 2021. Collection method: clinical testing. Allele origin: germline. Affected: yes.
Comment: Identified by parental exome sequencing in the father of a child, now deceased, with epidermolysis bullosa; however, testing of the child could not be completed and clinical information for father was not provided (PMID: 36964991); In silico analysis supports that this missense variant has a deleterious effect on protein structure/function; This variant is associated with the following publications: (PMID: 36964991)

Department of Medical Genetics, Sanjay Gandhi Post Graduate Institute of Medical Sciences
Classification: Likely pathogenic for Recessive dystrophic epidermolysis bullosa. Review status: criteria provided, single submitter. Criteria: ACMG Guidelines, 2015. Collection method: clinical testing. Allele origin: germline. Inheritance: Autosomal recessive inheritance. Affected: yes. Observed: 1 variant allele, 1 compound heterozygote.

Natera, Inc.
Classification: Benign for Dystrophic epidermolysis bullosa. Last evaluated: 2020-07-27. Review status: no assertion criteria provided. Collection method: clinical testing. Allele origin: germline. Not counted in ClinVar's aggregate classification.

NM_000094.4(COL7A1):c.3263C>T (p.Pro1088Leu)

Gene: COL7A1 (collagen type VII alpha 1 chain; minus strand). Cytogenetic location: 3p21.31.
Variant type: single nucleotide variant.
Coding change: c.3263C>T on transcript NM_000094.4 (MANE Select); coding-DNA position 3263, C replaced by T.
Protein change: p.Pro1088Leu; replaces proline 1088 with leucine.
Molecular consequence: missense variant.
Genome position (GRCh38, 1-based): chr3:48,586,985, G>A on the plus strand (C>T on the coding strand, the complement: COL7A1 is on the minus strand). VCF-style: chr3-48586985-G-A. GRCh37 (hg19) VCF-style: chr3-48624418-G-A.
Other names: short protein forms P1088L.
Identifiers: ClinVar variation 792459 (VCV000792459.16), dbSNP rs529120446, ClinGen allele CA2380587.